The following is an entry in ClinVar:

ClinVar aggregate classification (germline): Conflicting classifications of pathogenicity. Review status: criteria provided, conflicting classifications (1 of 4 stars). 2 submissions from 2 submitters: Uncertain significance (1); Likely benign (1). Last evaluated 2025-09-12.

Allele frequency attached by ClinVar (database versions not stated): gnomAD 0.00002; gnomAD exomes 0.00002 and 0.00004; ExAC 0.00003.
gnomAD v4.1: 33 of 1,612,674 alleles (0.002%); highest among the groups gnomAD compares: Non-Finnish European, 0.0026%; no homozygotes.

Submissions (2):

Labcorp Genetics (formerly Invitae), Labcorp
Classification: Likely benign. Last evaluated: 2025-09-12. Review status: criteria provided, single submitter. Criteria: Invitae Variant Classification Sherloc (09022015). Collection method: clinical testing. Allele origin: germline.

CeGaT Center for Human Genetics Tuebingen
Classification: Uncertain significance. Last evaluated: 2024-02-01. Review status: criteria provided, single submitter. Criteria: CeGaT Center For Human Genetics Tuebingen Variant Classification Criteria Version 2. Collection method: clinical testing. Allele origin: germline. Affected: yes. Observed: 1 variant allele.
Comment: LAMB3: PM2, BP4

NM_000228.3(LAMB3):c.2556+7G>A

Gene: LAMB3 (laminin subunit beta 3; minus strand). Cytogenetic location: 1q32.2.
Variant type: single nucleotide variant.
Coding change: c.2556+7G>A on transcript NM_000228.3 (MANE Select); 7 bases into the intron after coding-DNA position 2556, G replaced by A.
Molecular consequence: intron variant.
Genome position (GRCh38, 1-based): chr1:209,622,975, C>T on the plus strand (G>A on the coding strand, the complement: LAMB3 is on the minus strand). VCF-style: chr1-209622975-C-T. GRCh37 (hg19) VCF-style: chr1-209796320-C-T.
Other names: c.2556+7G>A (NM_001127641.1, NM_001017402.2).
Identifiers: ClinVar variation 1148905 (VCV001148905.30), dbSNP rs201280220, ClinGen allele CA1375208.